The following is an entry in ClinVar:

ClinVar aggregate classification (germline): Pathogenic/Likely pathogenic. Review status: criteria provided, multiple submitters, no conflicts (2 of 4 stars). 5 submissions from 5 submitters: Pathogenic (4); Likely pathogenic (1). Last evaluated 2025-03-19.

Conditions:
Hereditary nonpolyposis colorectal neoplasms. Identifiers: MedGen C0009405, MeSH D003123.
Hereditary cancer-predisposing syndrome. Also called: Hereditary Cancer Syndrome; Hereditary neoplastic syndrome; Neoplastic Syndromes, Hereditary; Tumor predisposition. Identifiers: Orphanet 140162, MedGen C0027672, MeSH D009386, MONDO:0015356.
Lynch syndrome 5 (LYNCH5). Also called: Hereditary non-polyposis colorectal cancer, type 5; Colorectal cancer, hereditary nonpolyposis, type 5. Identifiers: Orphanet 144, MedGen C1833477, MONDO:0013710, OMIM 614350. Disease mechanism: loss of function.
Endometrial carcinoma. Also called: Endometrial carcinoma, somatic. Identifiers: MedGen C0476089, MONDO:0002447, OMIM 608089, HP:0012114.

Submissions (5):

Ambry Genetics
Classification: Pathogenic for Hereditary cancer-predisposing syndrome. Last evaluated: 2025-03-19. Review status: criteria provided, single submitter. Criteria: Ambry Variant Classification Scheme 2023. Collection method: clinical testing. Allele origin: germline.
Comment: The c.58dupG pathogenic mutation, located in coding exon 1 of the MSH6 gene, results from a duplication of G at nucleotide position 58, causing a translational frameshift with a predicted alternate stop codon (p.A20Gfs*70). This variant is considered to be rare based on population cohorts in the Genome Aggregation Database (gnomAD). This alteration is expected to result in loss of function by premature protein truncation or nonsense-mediated mRNA decay. As such, this alteration is interpreted as a disease-causing mutation.

Labcorp Genetics (formerly Invitae), Labcorp
Classification: Pathogenic for Hereditary nonpolyposis colorectal neoplasms. Last evaluated: 2023-03-30. Review status: criteria provided, single submitter. Criteria: Invitae Variant Classification Sherloc (09022015). Collection method: clinical testing. Allele origin: germline.
Comment: For these reasons, this variant has been classified as Pathogenic. ClinVar contains an entry for this variant (Variation ID: 455333). This variant has not been reported in the literature in individuals affected with MSH6-related conditions. This variant is not present in population databases (gnomAD no frequency). This sequence change creates a premature translational stop signal (p.Ala20Glyfs*70) in the MSH6 gene. It is expected to result in an absent or disrupted protein product. Loss-of-function variants in MSH6 are known to be pathogenic (PMID: 18269114, 24362816).

Baylor Genetics
Classification: Likely pathogenic for Endometrial carcinoma. Last evaluated: 2023-03-12. Review status: criteria provided, single submitter. Criteria: ACMG Guidelines, 2015. Collection method: clinical testing. Allele origin: unknown.

Myriad Genetics, Inc.
Classification: Pathogenic for Lynch syndrome 5. Last evaluated: 2023-01-19. Review status: criteria provided, single submitter. Criteria: Myriad Autosomal Dominant, Autosomal Recessive and X-Linked Classification Criteria (2023). Collection method: clinical testing. Allele origin: unknown.
Comment: This variant is considered pathogenic. This variant creates a frameshift predicted to result in premature protein truncation.

Color Diagnostics, LLC DBA Color Health
Classification: Pathogenic for Hereditary cancer-predisposing syndrome. Last evaluated: 2020-03-09. Review status: criteria provided, single submitter. Criteria: ACMG Guidelines, 2015. Collection method: clinical testing. Allele origin: germline.
Comment: This variant inserts 1 nucleotide in exon 1 of the MSH6 gene, creating a frameshift and premature translation stop signal. This variant is expected to result in an absent or non-functional protein product. To our knowledge, this variant has not been reported in individuals affected with hereditary cancer in the literature. This variant has not been identified in the general population by the Genome Aggregation Database (gnomAD). Loss of MSH6 function is a known mechanism of disease. Based on the available evidence, this variant is classified as Pathogenic.

Literature cited by the submitters: PubMed 18269114 (cited by Labcorp Genetics (formerly Invitae), Labcorp); PubMed 24362816 (cited by Labcorp Genetics (formerly Invitae), Labcorp).

NM_000179.3(MSH6):c.58dup (p.Ala20fs)

Gene: MSH6 (mutS homolog 6; plus strand). Cytogenetic location: 2p16.3.
Variant type: Duplication.
Coding change: c.58dup on transcript NM_000179.3 (MANE Select); coding-DNA position 58, one base duplicated (G; older notation c.58dupG).
Protein change: p.Ala20fs; shifts the reading frame from alanine 20.
Molecular consequence: frameshift variant. On other transcripts: 5 prime UTR variant (1).
Genome position (GRCh38, 1-based): chr2:47,783,291, G duplicated. VCF-style (leftmost placement, unchanged base first): chr2-47783290-T-TG. GRCh37 (hg19) VCF-style: chr2-48010429-T-TG.
Other names: c.58dup, p.Ala20fs (NM_001281492.2); c.-679dup (NM_001281493.2); c.58dupG (NM_000179.2); short protein forms A20fs.
Identifiers: ClinVar variation 455333 (VCV000455333.12), dbSNP rs1553408136, ClinGen allele CA658657033.
Genomic context (GRCh38, chr2:47,783,290, plus strand): 5'-CGGTATGTCGCGACAGAGCACCCTGTACAGCTTCTTCCCCAAGTCTCCGGCGCTGAGTGA[T>TG]GCCAACAAGGCCTCGGCCAGGGCCTCACGCGAAGGCGGCCGTGCCGCCGCTGCCCCCGGG-3'